The following is an entry in ClinVar:

ClinVar aggregate classification (germline): Likely benign (1 of 4 stars; one submission).

Submission:

CeGaT Center for Human Genetics Tuebingen
Classification: Likely benign. Last evaluated: 2023-03-01. Review status: criteria provided, single submitter. Criteria: CeGaT Center For Human Genetics Tuebingen Variant Classification Criteria Version 2. Collection method: clinical testing. Allele origin: germline. Affected: yes. Observed: 1 variant allele.
Comment: STARD8: PM2:Supporting, BP4, BP7

NM_001142503.3(STARD8):c.1314T>C (p.Ala438=)

Gene: STARD8 (StAR related lipid transfer domain containing 8; plus strand). Cytogenetic location: Xq13.1.
Variant type: single nucleotide variant.
Coding change: c.1314T>C on transcript NM_001142503.3 (MANE Select); coding-DNA position 1314, T replaced by C.
Protein change: p.Ala438=; no amino-acid change (alanine 438 retained).
Molecular consequence: synonymous variant.
Genome position (GRCh38, 1-based): chrX:68,718,228, T>C. VCF-style: chrX-68718228-T-C. GRCh37 (hg19) VCF-style: chrX-67938070-T-C.
Other names: c.1074T>C, p.Ala358= (NM_001142504.3, NM_014725.5).
Identifiers: ClinVar variation 2660787 (VCV002660787.24), dbSNP rs2519924656, ClinGen allele CA517045033.
Genomic context (GRCh38, chrX:68,718,228, plus strand): 5'-GGAAGAGGAGGAGGCCACTTCATCAGTAGAAATAGCCACAGTTGAGGTCAAATGCCAAGC[T>C]GAGGCTCTCAGCCAGATGGAGGTTCCGGCCCATGGAGAGTCCCCAGCCTGGGCCCAGGCT-3'
Protein context (NP_001135975.1, residues 428-448): EIATVEVKCQ[Ala438=]EALSQMEVPA